The following is an entry in ClinVar:

NM_001081.4(CUBN):c.8739C>T (p.Ser2913=)

Gene: CUBN (cubilin; minus strand). Cytogenetic location: 10p13.
Variant type: single nucleotide variant.
Coding change: c.8739C>T on transcript NM_001081.4 (MANE Select); coding-DNA position 8739, C replaced by T.
Protein change: p.Ser2913=; no amino-acid change (serine 2913 retained).
Molecular consequence: synonymous variant.
Genome position (GRCh38, 1-based): chr10:16,890,387, G>A on the plus strand (C>T on the coding strand, the complement: CUBN is on the minus strand). VCF-style: chr10-16890387-G-A. GRCh37 (hg19) VCF-style: chr10-16932386-G-A.
Other names: c.8739C>T (NM_001081.3).
Identifiers: ClinVar variation 1133381 (VCV001133381.6), dbSNP rs140586269, ClinGen allele CA5422936.

ClinVar aggregate classification (germline): Likely benign. Review status: criteria provided, single submitter (1 of 4 stars). 2 submissions from 2 submitters: Likely benign (1). 1 of the submissions does not count toward it. Last evaluated 2019-11-03.

Conditions:
Imerslund-Grasbeck syndrome. Also called: Megaloblastic anemia due to inborn errors of metabolism; PERNICIOUS ANEMIA, JUVENILE, DUE TO SELECTIVE INTESTINAL MALABSORPTION OF VITAMIN B12, WITH PROTEINURIA; ENTEROCYTE COBALAMIN MALABSORPTION; ENTEROCYTE INTRINSIC FACTOR RECEPTOR, DEFECT OF; Imerslund-Gräsbeck syndrome. Identifiers: Orphanet 35858, MedGen C4551825, MONDO:0009853.
CUBN-related disorder. Also called: CUBN-related condition.

Allele frequency attached by ClinVar (database versions not stated): gnomAD 0.00001; ExAC 0.00002; gnomAD exomes 0.00002 and 0.00004; TOPMed 0.00004; ESP Exome Variant Server 0.00008.
gnomAD v4.1: 60 of 1,613,316 alleles (0.0037%); highest among the groups gnomAD compares: East Asian, 0.0045%; no homozygotes.

Submissions (2):

Labcorp Genetics (formerly Invitae), Labcorp
Classification: Likely benign for Imerslund-Grasbeck syndrome. Last evaluated: 2019-11-03. Review status: criteria provided, single submitter. Criteria: Invitae Variant Classification Sherloc (09022015). Collection method: clinical testing. Allele origin: germline.

PreventionGenetics, part of Exact Sciences
Classification: Likely benign for CUBN-related condition. Last evaluated: 2019-09-22. Review status: no assertion criteria provided. Collection method: clinical testing. Allele origin: germline. Not counted in ClinVar's aggregate classification.
Comment: This variant is classified as likely benign based on ACMG/AMP sequence variant interpretation guidelines (Richards et al. 2015 PMID: 25741868, with internal and published modifications).